The following is an entry in ClinVar:

NM_018979.4(WNK1):c.94G>T (p.Asp32Tyr)

Gene: WNK1 (WNK lysine deficient protein kinase 1; plus strand). Cytogenetic location: 12p13.33.
Variant type: single nucleotide variant.
Coding change: c.94G>T on transcript NM_018979.4 (MANE Select); coding-DNA position 94, G replaced by T.
Protein change: p.Asp32Tyr; replaces aspartic acid 32 with tyrosine.
Molecular consequence: missense variant.
Genome position (GRCh38, 1-based): chr12:753,659, G>T. VCF-style: chr12-753659-G-T. GRCh37 (hg19) VCF-style: chr12-862825-G-T.
Other names: c.94G>T, p.Asp32Tyr (NM_001184985.2, NM_014823.3, NM_213655.5); short protein forms D32Y.
Identifiers: ClinVar variation 1017219 (VCV001017219.9), dbSNP rs1364175663, ClinGen allele CA383303620.
Genomic context (GRCh38, chr12:753,659, plus strand): 5'-ACTCCCGGTTCCCTGTTCCTCTCGCCGCCGGCTCCTGCCCCCAAGAATGGCTCCAGCTCC[G>T]ATTCCTCCGTGGGGGAGAAACTGGGAGCCGCGGCCGCCGACGCTGTGACCGGCAGGACCG-3'
Protein context (NP_061852.3, residues 22-42): APAPKNGSSS[Asp32Tyr]SSVGEKLGAA

ClinVar aggregate classification (germline): Uncertain significance. Review status: criteria provided, multiple submitters, no conflicts (2 of 4 stars). 2 submissions from 2 submitters: Uncertain significance (2). Last evaluated 2022-10-19.

Conditions:
Pseudohypoaldosteronism type 2C (PHA2C). Also called: Pseudohypoaldosteronism Type IIC. Identifiers: Orphanet 757, Orphanet 88940, MedGen C1840391, MONDO:0013778, OMIM 614492.
Neuropathy, hereditary sensory and autonomic, type 2A (HSAN2A). Also called: ACROOSTEOLYSIS, GIACCAI TYPE; ACROOSTEOLYSIS, NEUROGENIC; MORVAN DISEASE; NEUROPATHY, CONGENITAL SENSORY; NEUROPATHY, HEREDITARY SENSORY RADICULAR, AUTOSOMAL RECESSIVE; NEUROPATHY, HEREDITARY SENSORY, TYPE IIA. Identifiers: Orphanet 970, MedGen C2752089, MONDO:0024309, OMIM 201300.

Allele frequency attached by ClinVar (database versions not stated): gnomAD exomes below 0.00001; gnomAD 0.00001; TOPMed 0.00002.
gnomAD v4.1: 9 of 1,612,344 alleles (0.00056%); highest among the groups gnomAD compares: African/African-American, 0.0093%; no homozygotes.

Submissions (2):

Labcorp Genetics (formerly Invitae), Labcorp
Classification: Uncertain significance for Neuropathy, hereditary sensory and autonomic, type 2A; Pseudohypoaldosteronism type 2C. Last evaluated: 2022-10-19. Review status: criteria provided, single submitter. Criteria: Invitae Variant Classification Sherloc (09022015). Collection method: clinical testing. Allele origin: germline.
Comment: This sequence change replaces aspartic acid, which is acidic and polar, with tyrosine, which is neutral and polar, at codon 32 of the WNK1 protein (p.Asp32Tyr). This variant is present in population databases (no rsID available, gnomAD 0.004%). This variant has not been reported in the literature in individuals affected with WNK1-related conditions. ClinVar contains an entry for this variant (Variation ID: 1017219). Advanced modeling of protein sequence and biophysical properties (such as structural, functional, and spatial information, amino acid conservation, physicochemical variation, residue mobility, and thermodynamic stability) performed at Invitae indicates that this missense variant is not expected to disrupt WNK1 protein function. In summary, the available evidence is currently insufficient to determine the role of this variant in disease. Therefore, it has been classified as a Variant of Uncertain Significance.

Fulgent Genetics
Classification: Uncertain significance for Neuropathy, hereditary sensory and autonomic, type 2A; Pseudohypoaldosteronism type 2C. Last evaluated: 2022-01-08. Review status: criteria provided, single submitter. Criteria: ACMG Guidelines, 2015. Collection method: clinical testing. Allele origin: unknown.